The following is an entry in ClinVar:

ClinVar aggregate classification (germline): Benign/Likely benign. Review status: criteria provided, multiple submitters, no conflicts (2 of 4 stars). 4 submissions from 4 submitters: Benign (2); Likely benign (2). Last evaluated 2026-03-01.

Allele frequency attached by ClinVar (database versions not stated): gnomAD 0.00006 and 0.00019; TOPMed 0.00010; gnomAD exomes 0.00035 and 0.00054; ExAC 0.00068; 1000 Genomes Project 30x 0.00094; 1000 Genomes Project 0.00100.
gnomAD v4.1: 520 of 1,562,602 alleles (0.033%); highest among the groups gnomAD compares: South Asian, 0.43%; 3 homozygotes.

Submissions (5):

CeGaT Center for Human Genetics Tuebingen
Classification: Likely benign. Last evaluated: 2026-03-01. Review status: criteria provided, single submitter. Criteria: CeGaT Center For Human Genetics Tuebingen Variant Classification Criteria Version 2. Collection method: clinical testing. Allele origin: germline. Affected: yes. Observed: 6 variant alleles.
Comment: HNMT: BP4, BP7

Blueprint Genetics
Classification: Likely benign. Last evaluated: 2024-07-30. Review status: criteria provided, single submitter. Criteria: ACMG Guidelines, 2015. Collection method: clinical testing. Allele origin: germline.

Labcorp Genetics (formerly Invitae), Labcorp
Classification: Benign. Last evaluated: 2018-04-24. Review status: criteria provided, single submitter. Criteria: Invitae Variant Classification Sherloc (09022015). Collection method: clinical testing. Allele origin: germline.

Breakthrough Genomics
Classification: Benign. Review status: criteria provided, single submitter. Criteria: ACMG Guidelines, 2015. Collection method: not provided. Allele origin: germline. Inheritance: Autosomal recessive inheritance. Affected: yes.

Dr. Peter K. Rogan Lab, Western University
No classification provided (evidence only). Condition: Thymoma. Review status: no classification provided. Collection method: in vitro. Allele origin: not applicable. Functional consequence: retained intron. Not counted in ClinVar's aggregate classification.

NM_006895.3(HNMT):c.180C>T (p.Gly60=)

Gene: HNMT (histamine N-methyltransferase; plus strand). Cytogenetic location: 2q22.1.
Variant type: single nucleotide variant.
Coding change: c.180C>T on transcript NM_006895.3 (MANE Select); coding-DNA position 180, C replaced by T.
Protein change: p.Gly60=; no amino-acid change (glycine 60 retained).
Molecular consequence: synonymous variant.
Genome position (GRCh38, 1-based): chr2:137,970,207, C>T. VCF-style: chr2-137970207-C-T. GRCh37 (hg19) VCF-style: chr2-138727777-C-T.
Other names: NC_000002.11:g.138727777C>T; c.180C>T, p.Gly60= (NM_001024075.3).
Identifiers: ClinVar variation 744659 (VCV000744659.37), dbSNP rs529181997, ClinGen allele CA1891645.